The following is an entry in ClinVar:

ClinVar aggregate classification (germline): Pathogenic (1 of 4 stars; one submission).

Conditions:
Mowat-Wilson syndrome (MOWS). Also called: Classic Mowat-Wilson Syndrome. Identifiers: Orphanet 2152, MedGen C1856113, MONDO:0009341, OMIM 235730.

Submission:

Illumina Laboratory Services, Illumina
Classification: Pathogenic for Mowat-Wilson syndrome. Last evaluated: 2020-04-23. Review status: criteria provided, single submitter. Criteria: ICSLVariantClassificationCriteria RUGD 01 April 2020. Collection method: clinical testing. Allele origin: unknown.
Comment: The ZEB2 c.3161_3162delCC p.(Pro1054LeufsTer4) variant causes a shift in the protein reading frame that is predicted to result in premature termination of the protein but occurs in the last exon of the gene and the resulting transcript may escape nonsense-mediated mRNA decay. To our knowledge, this variant has not been reported in the peer-reviewed literature. This variant is not observed in version 2.1.1 of the Genome Aggregation Database. Based on the predicted truncating nature of the variant, absence from gnomAD, and identification in a de novo state in the proband, the available evidence the c.3161_3162delCC p.(Pro1054LeufsTer4) variant is classified as pathogenic for Mowat-Wilson syndrome.

NM_014795.4(ZEB2):c.3161_3162del (p.Pro1054fs)

Gene: ZEB2 (zinc finger E-box binding homeobox 2; minus strand). Cytogenetic location: 2q22.3.
Variant type: Deletion.
Coding change: c.3161_3162del on transcript NM_014795.4 (MANE Select); coding-DNA positions 3161 to 3162, 2 bases deleted (CC; older notation c.3161_3162delCC).
Protein change: p.Pro1054fs; shifts the reading frame from proline 1054.
Molecular consequence: frameshift variant.
Genome position (GRCh38, 1-based): chr2:144,389,934-144,389,935, GG deleted on the plus strand (CC on the coding strand, the reverse complement: ZEB2 is on the minus strand); deleting any 2 consecutive bases within chr2:144,389,934-144,389,936 gives the same sequence; the c. name uses the placement nearest the transcript's 3' end. VCF-style (leftmost placement, unchanged base first): chr2-144389933-AGG-A. GRCh37 (hg19) VCF-style: chr2-145147500-AGG-A.
Other names: c.3089_3090del, p.Pro1030fs (NM_001171653.2); short protein forms P1030fs, P1054fs.
Identifiers: ClinVar variation 3062130 (VCV003062130.1), dbSNP rs2549101930, ClinGen allele CA2740095694.
Genomic context (GRCh38, chr2:144,389,933, plus strand): 5'-TCATGTGCTGCGAGTACGAGCCCGAGTGTGAGAAGCGCTTGCCACATTTATCACACTGAT[AGG>A]GCTTCTCGCCCGAGTGAAGCCTTGAGTGCTCGATAAGGTGGTGCTTGTGTTTAAACGCTT-3'